The following is an entry in ClinVar:

ClinVar aggregate classification (germline): Uncertain significance (1 of 4 stars; one submission).

Conditions:
Predisposition to invasive fungal disease due to CARD9 deficiency (IMD103). Also called: Candidiasis, familial, 2, autosomal recessive; IMMUNODEFICIENCY 103, SUSCEPTIBILITY TO FUNGAL INFECTIONS; CARD9 IMMUNODEFICIENCY. Identifiers: Orphanet 457088, MedGen C1859353, MONDO:0008905, OMIM 212050.

Allele frequency attached by ClinVar (database versions not stated): gnomAD exomes 0.00001; ExAC 0.00003.

Submission:

Labcorp Genetics (formerly Invitae), Labcorp
Classification: Uncertain significance for Predisposition to invasive fungal disease due to CARD9 deficiency. Last evaluated: 2018-09-10. Review status: criteria provided, single submitter. Criteria: Invitae Variant Classification Sherloc (09022015). Collection method: clinical testing. Allele origin: germline.
Comment: This sequence change replaces tryptophan with cysteine at codon 287 of the CARD9 protein (p.Trp287Cys). The tryptophan residue is moderately conserved and there is a large physicochemical difference between tryptophan and cysteine. This variant is present in population databases (rs776265820, ExAC 0.04%). This variant has not been reported in the literature in individuals with CARD9-related disease. Algorithms developed to predict the effect of missense changes on protein structure and function (SIFT, PolyPhen-2, Align-GVGD) all suggest that this variant is likely to be tolerated, but these predictions have not been confirmed by published functional studies and their clinical significance is uncertain. In summary, the available evidence is currently insufficient to determine the role of this variant in disease. Therefore, it has been classified as a Variant of Uncertain Significance.

NM_052813.5(CARD9):c.861G>T (p.Trp287Cys)

Gene: CARD9 (caspase recruitment domain family member 9; minus strand). Cytogenetic location: 9q34.3.
Variant type: single nucleotide variant.
Coding change: c.861G>T on transcript NM_052813.5 (MANE Select); coding-DNA position 861, G replaced by T.
Protein change: p.Trp287Cys; replaces tryptophan 287 with cysteine.
Molecular consequence: missense variant.
Genome position (GRCh38, 1-based): chr9:136,370,384, C>A on the plus strand (G>T on the coding strand, the complement: CARD9 is on the minus strand). VCF-style: chr9-136370384-C-A. GRCh37 (hg19) VCF-style: chr9-139264836-C-A.
Other names: c.861G>T, p.Trp287Cys (NM_052814.4); short protein forms W287C.
Identifiers: ClinVar variation 645815 (VCV000645815.9), dbSNP rs776265820, ClinGen allele CA5332950.
Genomic context (GRCh38, chr9:136,370,384, plus strand): 5'-GTCCTTGCGCAGGGAGAAGATGGTGTTGGCCTGCTCCTGGTGGTCCCGCAGCGCCTGCCG[C>A]CAGTCCTCCTCCAGTACCTGGATGTAGGGGCTGCTCCTGTCCAGCTTCCCCTCCTGAAGG-3'
Protein context (NP_434700.2, residues 277-297): SPYIQVLEED[Trp287Cys]RQALRDHQEQ